The following is an entry in ClinVar:

NM_001374736.1(DST):c.19567-29_19570del

Gene: DST (dystonin; minus strand). Cytogenetic location: 6p12.1.
Variant type: Deletion.
Coding change: c.19567-29_19570del on transcript NM_001374736.1 (MANE Select); 29 bases into the intron before coding-DNA position 19567 through coding-DNA position 19570, 33 bases deleted.
Molecular consequence: splice acceptor variant.
Genome position (GRCh38, 1-based): chr6:56,501,690-56,501,722, 33 bases deleted; deleting any 33 consecutive bases within chr6:56,501,690-56,501,726 gives the same sequence; the c. name uses the placement nearest the transcript's 3' end. GRCh37 (hg19): chr6:56,366,492-56,366,524.
Other names: c.13210-29_13213del (NM_001144769.5); c.19567-29_19570del (NM_001374722.1); c.19594-29_19597del (NM_001374734.1); c.12796-29_12799del (NM_001144770.2); c.12349-29_12352del (NM_001374730.1); c.12676-29_12679del (NM_001386100.1, NM_183380.4); c.18607-29_18610del (NM_001374729.1); c.11698-29_11701del (NM_015548.5).
Identifiers: ClinVar variation 2953506 (VCV002953506.3), dbSNP rs2534159000, ClinGen allele CA2740091366.

ClinVar aggregate classification (germline): Likely pathogenic (1 of 4 stars; one submission).

Conditions:
Hereditary sensory and autonomic neuropathy type 6. Also called: HSAN VI; Neuropathy, hereditary sensory and autonomic, type VI. Identifiers: Orphanet 314381, MedGen C3539003, MONDO:0013839, OMIM 614653.
Epidermolysis bullosa simplex 3, localized or generalized intermediate, with BP230 deficiency (EBS3). Also called: Epidermolysis bullosa simplex, autosomal recessive 2; Epidermolysis bullosa simplex due to BP230 deficiency. Identifiers: Orphanet 412181, MedGen C3809470, MONDO:0014180, OMIM 615425.

Submission:

Labcorp Genetics (formerly Invitae), Labcorp
Classification: Likely pathogenic for Epidermolysis bullosa simplex 3, localized or generalized intermediate, with BP230 deficiency; Hereditary sensory and autonomic neuropathy type 6. Last evaluated: 2024-05-05. Review status: criteria provided, single submitter. Criteria: Invitae Variant Classification Sherloc (09022015). Collection method: clinical testing. Allele origin: germline.
Comment: The DST gene has multiple clinically relevant transcripts. This variant occurs in alternate transcript NM_015548.4, and corresponds to NM_001723.5:c.*113795_*113827del in the primary transcript. This variant results in the deletion of part of exon 60 (c.11698-29_11701del) of the DST gene. It is expected to disrupt RNA splicing. Variants that disrupt the donor or acceptor splice site typically lead to a loss of protein function (PMID: 16199547), and loss-of-function variants in DST are known to be pathogenic (PMID: 22522446, 25059916, 30371979). This variant is not present in population databases (gnomAD no frequency). This variant has not been reported in the literature in individuals affected with DST-related conditions. In summary, the currently available evidence indicates that the variant is pathogenic, but additional data are needed to prove that conclusively. Therefore, this variant has been classified as Likely Pathogenic.

Literature cited by the submitters: PubMed 16199547; PubMed 22522446; PubMed 25059916; PubMed 30371979.